The following is an entry in ClinVar:

ClinVar aggregate classification (germline): Pathogenic (1 of 4 stars; one submission).

Conditions:
Early-infantile DEE. Also called: Early infantile epileptic encephalopathy; Early infantile epileptic encephalopathy with suppression bursts; Ohtahara syndrome. Identifiers: Orphanet 1934, MedGen C0393706, MONDO:0800491.

Submissions (7):

Labcorp Genetics (formerly Invitae), Labcorp
Classification: Pathogenic for Early-infantile DEE. Last evaluated: 2022-12-18. Review status: criteria provided, single submitter. Criteria: Invitae Variant Classification Sherloc (09022015). Collection method: clinical testing. Allele origin: germline.
Comment: For these reasons, this variant has been classified as Pathogenic. This sequence change replaces aspartic acid, which is acidic and polar, with glutamic acid, which is acidic and polar, at codon 282 of the KCNQ2 protein (p.Asp282Glu). This variant is not present in population databases (gnomAD no frequency). This missense change has been observed in individual(s) with KCNQ2-related conditions (PMID: 28133863). In at least one individual the variant was observed to be de novo. Advanced modeling of protein sequence and biophysical properties (such as structural, functional, and spatial information, amino acid conservation, physicochemical variation, residue mobility, and thermodynamic stability) performed at Invitae indicates that this missense variant is expected to disrupt KCNQ2 protein function. This variant disrupts the p.Asp282 amino acid residue in KCNQ2. Other variant(s) that disrupt this residue have been determined to be pathogenic (PMID: 25533962, 27602407, 28133863). This suggests that this residue is clinically significant, and that variants that disrupt this residue are likely to be disease-causing.

Channelopathy-Associated Epilepsy Research Center
No classification provided (evidence only). Condition: Complex neurodevelopmental disorder. Review status: no classification provided. Collection method: literature only. Allele origin: not applicable. Functional consequence: Severe decrease in peak current, Severe slowing of activation, Mild hyperpolarizing shift of voltage dependence of activation. Not counted in ClinVar's aggregate classification.
ClinVar note: "not provided" was previously submitted as the classification for the variant. However, the classification appeared to be based only on an observation of functional data so it was converted to no classification on 2025-07-30.

Channelopathy-Associated Epilepsy Research Center
No classification provided (evidence only). Review status: no classification provided. Collection method: in vitro. Allele origin: not applicable. Functional consequence: Decrease in peak current. Not counted in ClinVar's aggregate classification.

Channelopathy-Associated Epilepsy Research Center
No classification provided (evidence only). Review status: no classification provided. Collection method: in vitro. Allele origin: not applicable. Functional consequence: Decrease in peak current. Not counted in ClinVar's aggregate classification.

Channelopathy-Associated Epilepsy Research Center
No classification provided (evidence only). Review status: no classification provided. Collection method: in vitro. Allele origin: not applicable. Functional consequence: Hyperpolarizing shift of voltage dependence of activation. Not counted in ClinVar's aggregate classification.

Channelopathy-Associated Epilepsy Research Center
No classification provided (evidence only). Review status: no classification provided. Collection method: in vitro. Allele origin: not applicable. Functional consequence: Increase in slope of activation. Not counted in ClinVar's aggregate classification.

Channelopathy-Associated Epilepsy Research Center
No classification provided (evidence only). Review status: no classification provided. Collection method: in vitro. Allele origin: not applicable. Functional consequence: Slowing of activation. Not counted in ClinVar's aggregate classification.

Literature cited by the submitters: PubMed 28133863 (cited by Labcorp Genetics (formerly Invitae), Labcorp); PubMed 25533962 (cited by Labcorp Genetics (formerly Invitae), Labcorp); PubMed 27602407 (cited by Labcorp Genetics (formerly Invitae), Labcorp); PubMed 35104249 (cited by Channelopathy-Associated Epilepsy Research Center).

NM_172107.4(KCNQ2):c.846C>A (p.Asp282Glu)

Gene: KCNQ2 (potassium voltage-gated channel subfamily Q member 2; minus strand). Cytogenetic location: 20q13.33.
Variant type: single nucleotide variant.
Coding change: c.846C>A on transcript NM_172107.4 (MANE Select); coding-DNA position 846, C replaced by A.
Protein change: p.Asp282Glu; replaces aspartic acid 282 with glutamic acid.
Molecular consequence: missense variant.
Genome position (GRCh38, 1-based): chr20:63,439,679, G>T on the plus strand (C>A on the coding strand, the complement: KCNQ2 is on the minus strand). VCF-style: chr20-63439679-G-T. GRCh37 (hg19) VCF-style: chr20-62071032-G-T.
Other names: c.846C>A, p.Asp282Glu (NM_001382235.1, NM_004518.6, NM_172106.3 and 2 more transcripts); short protein forms D282E.
Identifiers: ClinVar variation 2573143 (VCV002573143.6), dbSNP rs2516420288, ClinGen allele CA409652679.